The following is an entry in ClinVar:

NM_145290.4(ADGRA3):c.2762A>G (p.Tyr921Cys)

Gene: ADGRA3 (adhesion G protein-coupled receptor A3; minus strand). Cytogenetic location: 4p15.2.
Variant type: single nucleotide variant.
Coding change: c.2762A>G on transcript NM_145290.4 (MANE Select); coding-DNA position 2762, A replaced by G.
Protein change: p.Tyr921Cys; replaces tyrosine 921 with cysteine.
Molecular consequence: missense variant.
Genome position (GRCh38, 1-based): chr4:22,388,909, T>C on the plus strand (A>G on the coding strand, the complement: ADGRA3 is on the minus strand). VCF-style: chr4-22388909-T-C. GRCh37 (hg19) VCF-style: chr4-22390532-T-C.
Other names: short protein forms Y921C.
Identifiers: ClinVar variation 1913695 (VCV001913695.5), dbSNP rs745834285, ClinGen allele CA2873506.

ClinVar aggregate classification (germline): Uncertain significance (1 of 4 stars; one submission).

Allele frequency attached by ClinVar (database versions not stated): gnomAD 0.00001; gnomAD exomes 0.00001; TOPMed 0.00001; ExAC 0.00002.
gnomAD v4.1: 15 of 1,613,912 alleles (0.00093%); highest among the groups gnomAD compares: Admixed American, 0.0033%; no homozygotes.

Submission:

Labcorp Genetics (formerly Invitae), Labcorp
Classification: Uncertain significance. Last evaluated: 2022-05-10. Review status: criteria provided, single submitter. Criteria: Invitae Variant Classification Sherloc (09022015). Collection method: clinical testing. Allele origin: germline.
Comment: In summary, the available evidence is currently insufficient to determine the role of this variant in disease. Therefore, it has been classified as a Variant of Uncertain Significance. Algorithms developed to predict the effect of missense changes on protein structure and function (SIFT, PolyPhen-2, Align-GVGD) all suggest that this variant is likely to be disruptive. This variant has not been reported in the literature in individuals affected with ADGRA3-related conditions. This variant is present in population databases (rs745834285, gnomAD 0.006%). This sequence change replaces tyrosine, which is neutral and polar, with cysteine, which is neutral and slightly polar, at codon 921 of the ADGRA3 protein (p.Tyr921Cys).